The following is an entry in ClinVar:

NM_001482.3(GATM):c.220C>A (p.Pro74Thr)

Gene: GATM (glycine amidinotransferase; minus strand). Cytogenetic location: 15q21.1.
Variant type: single nucleotide variant.
Coding change: c.220C>A on transcript NM_001482.3 (MANE Select); coding-DNA position 220, C replaced by A.
Protein change: p.Pro74Thr; replaces proline 74 with threonine.
Molecular consequence: missense variant. On other transcripts: 5 prime UTR variant (1).
Genome position (GRCh38, 1-based): chr15:45,376,669, G>T on the plus strand (C>A on the coding strand, the complement: GATM is on the minus strand). VCF-style: chr15-45376669-G-T. GRCh37 (hg19) VCF-style: chr15-45668867-G-T.
Other names: c.-168C>A (NM_001321015.2); short protein forms P74T.
Identifiers: ClinVar variation 2714705 (VCV002714705.3), dbSNP rs1377599591, ClinGen allele CA392265182.
Genomic context (GRCh38, chr15:45,376,669, plus strand): 5'-CGATGGTGAACGGTGGAACACAGGCGTTTTCTGCTCTGCCCACTATCACTTCCTCTAAGG[G>T]GTCCCATTCGTTGTAAGAAGAGACAGGGCAGTCCTTGGGCAGAGGCTCAGTGGCTTTGTC-3'
Protein context (NP_001473.1, residues 64-84): CPVSSYNEWD[Pro74Thr]LEEVIVGRAE

ClinVar aggregate classification (germline): Uncertain significance (1 of 4 stars; one submission).

Conditions:
Arginine:glycine amidinotransferase deficiency (CCDS3). Also called: Cerebral creatine deficiency syndrome 3; AGAT deficiency; L-Arginine:Glycine Amidinotransferase Deficiency; Creatine deficiency syndrome due to AGAT deficiency; GATM deficiency; L-Arginine:Glycine Amidinotransferase (AGAT) Deficiency. Identifiers: Orphanet 35704, MedGen C2675179, MONDO:0012996, OMIM 612718.

Allele frequency attached by ClinVar (database versions not stated): gnomAD 0.00001; gnomAD exomes 0.00001; TOPMed 0.00001.
gnomAD v4.1: 6 of 1,613,996 alleles (0.00037%); highest among the groups gnomAD compares: South Asian, 0.0033%; 1 homozygote.

Submission:

Labcorp Genetics (formerly Invitae), Labcorp
Classification: Uncertain significance for Arginine:glycine amidinotransferase deficiency. Last evaluated: 2025-02-24. Review status: criteria provided, single submitter. Criteria: Invitae Variant Classification Sherloc (09022015). Collection method: clinical testing. Allele origin: germline.
Comment: This sequence change replaces proline, which is neutral and non-polar, with threonine, which is neutral and polar, at codon 74 of the GATM protein (p.Pro74Thr). This variant is present in population databases (no rsID available, gnomAD 0.003%). This variant has not been reported in the literature in individuals affected with GATM-related conditions. ClinVar contains an entry for this variant (Variation ID: 2714705). Invitae Evidence Modeling of protein sequence and biophysical properties (such as structural, functional, and spatial information, amino acid conservation, physicochemical variation, residue mobility, and thermodynamic stability) has been performed for this missense variant. However, the output from this modeling did not meet the statistical confidence thresholds required to predict the impact of this variant on GATM protein function. In summary, the available evidence is currently insufficient to determine the role of this variant in disease. Therefore, it has been classified as a Variant of Uncertain Significance.